The following is an entry in ClinVar:

ClinVar aggregate classification (germline): Uncertain significance (1 of 4 stars; one submission).

Conditions:
Fanconi anemia (FA). Also called: Fanconi's anemia. Identifiers: Orphanet 84, MedGen C0015625, MeSH D005199, MONDO:0019391.

Submission:

Labcorp Genetics (formerly Invitae), Labcorp
Classification: Uncertain significance for Fanconi anemia. Last evaluated: 2019-05-31. Review status: criteria provided, single submitter. Criteria: Invitae Variant Classification Sherloc (09022015). Collection method: clinical testing. Allele origin: germline.
Comment: In summary, the available evidence is currently insufficient to determine the role of this variant in disease. Therefore, it has been classified as a Variant of Uncertain Significance. Algorithms developed to predict the effect of sequence changes on RNA splicing suggest that this variant may disrupt the consensus splice site, but this prediction has not been confirmed by published transcriptional studies. Algorithms developed to predict the effect of missense changes on protein structure and function are either unavailable or do not agree on the potential impact of this missense change (SIFT: "Tolerated"; PolyPhen-2: "Possibly Damaging"; Align-GVGD: "Class C0"). This variant has not been reported in the literature in individuals with FANCB-related conditions. This variant is not present in population databases (ExAC no frequency). This sequence change replaces glutamic acid with alanine at codon 442 of the FANCB protein (p.Glu442Ala). The glutamic acid residue is moderately conserved and there is a moderate physicochemical difference between glutamic acid and alanine.

NM_001018113.3(FANCB):c.1325A>C (p.Glu442Ala)

Gene: FANCB (FA complementation group B; minus strand). Cytogenetic location: Xp22.2.
Variant type: single nucleotide variant.
Coding change: c.1325A>C on transcript NM_001018113.3 (MANE Select); coding-DNA position 1325, A replaced by C.
Protein change: p.Glu442Ala; replaces glutamic acid 442 with alanine.
Molecular consequence: missense variant.
Genome position (GRCh38, 1-based): chrX:14,853,040, T>G on the plus strand (A>C on the coding strand, the complement: FANCB is on the minus strand). VCF-style: chrX-14853040-T-G. GRCh37 (hg19) VCF-style: chrX-14871162-T-G.
Other names: c.1325A>C, p.Glu442Ala (NM_001324162.2, NM_152633.4); short protein forms E442A.
Identifiers: ClinVar variation 951813 (VCV000951813.9), dbSNP rs2092408275, ClinGen allele CA412442355.